The following is an entry in ClinVar:

ClinVar aggregate classification (germline): Uncertain significance (1 of 4 stars; one submission).

Submission:

Quest Diagnostics Nichols Institute San Juan Capistrano
Classification: Uncertain significance. Last evaluated: 2024-03-22. Review status: criteria provided, single submitter. Criteria: Quest Diagnostics criteria. Collection method: clinical testing. Allele origin: unknown.
Comment: The MSH6 c.-4903_-564delinsAA variant, to the best of our knowledge, has not been reported in the published literature. It also has not been reported in large, multi-ethnic general populations (Genome Aggregation Database). This variant removes a portion of the 5'-UTR of the MSH6 gene, including a TATA-like element at position c.-623 that has been shown to contribute to but is not required for full MSH6 promoter activity, while leaving intact the transcription factor binding sites and multiple transcription initiation sites closer to the ATG start codon (PMID: 14585961 (2003)). The full effect of this variant on MSH6 gene expression is uncertain. Based on the available information, we are unable to determine the clinical significance of this variant.

NM_000179.2(MSH6):c.-4903_-564delinsAA

Genes: MSH6 (mutS homolog 6; plus strand), LOC129933705 (ATAC-STARR-seq lymphoblastoid active region 15741; plus strand). Cytogenetic location: 2p16.3.
Variant type: Indel.
Coding change: c.-4903_-564delinsAA on transcript NM_000179.2; 4903 bases upstream of the start codon through 564 bases upstream of the start codon, the reference bases replaced by AA.
Genome position (GRCh38, 1-based): chr2:47,778,331-47,782,670, 4,340 bases replaced. GRCh37 (hg19): chr2:48,005,470-48,009,809.
Identifiers: ClinVar variation 3572004 (VCV003572004.1).